The following is an entry in ClinVar:

NM_000260.4(MYO7A):c.6577C>T (p.Leu2193Phe)

Gene: MYO7A (myosin VIIA; plus strand). Cytogenetic location: 11q13.5.
Variant type: single nucleotide variant.
Coding change: c.6577C>T on transcript NM_000260.4 (MANE Select); coding-DNA position 6577, C replaced by T.
Protein change: p.Leu2193Phe; replaces leucine 2193 with phenylalanine.
Molecular consequence: missense variant.
Genome position (GRCh38, 1-based): chr11:77,214,625, C>T. VCF-style: chr11-77214625-C-T. GRCh37 (hg19) VCF-style: chr11-76925670-C-T.
Other names: c.6457C>T, p.Leu2153Phe (NM_001127180.2); c.6430C>T, p.Leu2144Phe (NM_001369365.1); short protein forms L2193F, L2144F, L2153F.
Identifiers: ClinVar variation 43337 (VCV000043337.6), dbSNP rs397516333, ClinGen allele CA132443.
Genomic context (GRCh38, chr11:77,214,625, plus strand): 5'-GTCCCACCGTGTGCTCGCTTATCTTCTCACCCCTGCTTCCAGGGCTACAAGATGGATGAC[C>T]TCCTGACTTCCTACATTAGCCAGATGCTCACAGCCATGAGCAAACAGCGGGGCTCCAGGA-3'
Protein context (NP_000251.3, residues 2183-2203): ETSLGYKMDD[Leu2193Phe]LTSYISQMLT

ClinVar aggregate classification (germline): Uncertain significance. Review status: criteria provided, single submitter (1 of 4 stars). 2 submissions from 2 submitters: Uncertain significance (1). 1 of the submissions does not count toward it. Last evaluated 2011-03-08.

Conditions:
Usher syndrome type 1B (USH1B). Also called: Usher syndrome type IB. Identifiers: MedGen C1848638, MONDO:0700087.

Allele frequency attached by ClinVar (database versions not stated): gnomAD exomes below 0.00001.

Submissions (2):

Laboratory for Molecular Medicine, Mass General Brigham Personalized Medicine
Classification: Uncertain significance. Last evaluated: 2011-03-08. Review status: criteria provided, single submitter. Criteria: LMM Criteria. Collection method: clinical testing. Allele origin: germline. Observed: 1 variant allele.
Comment: Variant classified as Uncertain Significance - Favor Pathogenic. The Leu2193Phe variant in MYO7A has not been reported in the literature nor previously identifi ed by our laboratory. This residue is conserved across species and computational analyses (PolyPhen2, SIFT) suggest that the Leu2193Phe variant may impact the p rotein. However, this information is not predictive enough to assume pathogenici ty. It should be noted that this lab has only sequenced the MYO7A in 20 Asian pr obands and no Asian healthy controls. In addition, healthy control information i s unavailable from either public databases or scientific literature, such that t he full spectrum of benign variation has not yet been defined for this populatio n. Future analysis could reveal that the Leu2193Phe variant is common in this po pulation and therefore unlikely to be pathogenic. However, the presence of this variant in combination with another pathogenic variant in this gene, increases t he likelihood that this variant is pathogenic if found to be in trans (on separa te copies of the gene). In summary, the clinical significance of this variant ca nnot be determined with certainty at this time; however, we would lean towards a more likely pathogenic role.

Natera, Inc.
Classification: Uncertain significance for Usher syndrome type 1B. Last evaluated: 2020-03-21. Review status: no assertion criteria provided. Collection method: clinical testing. Allele origin: germline. Not counted in ClinVar's aggregate classification.